The following is an entry in ClinVar:

NM_013382.7(POMT2):c.1006+1G>C

Gene: POMT2 (protein O-mannosyltransferase 2; minus strand). Cytogenetic location: 14q24.3.
Variant type: single nucleotide variant.
Coding change: c.1006+1G>C on transcript NM_013382.7 (MANE Select); the canonical splice donor site of the intron after coding-DNA position 1006, G replaced by C.
Molecular consequence: splice donor variant.
Genome position (GRCh38, 1-based): chr14:77,298,688, C>G on the plus strand (G>C on the coding strand, the complement: POMT2 is on the minus strand). VCF-style: chr14-77298688-C-G. GRCh37 (hg19) VCF-style: chr14-77765031-C-G.
Identifiers: ClinVar variation 4793425 (VCV004793425.1).

ClinVar aggregate classification (germline): Pathogenic (1 of 4 stars; one submission).

Conditions:
Muscular dystrophy-dystroglycanopathy (congenital with impaired intellectual development), type B, 2. Also called: MUSCULAR DYSTROPHY, CONGENITAL, POMT2-RELATED; Muscular dystrophy-dystroglycanopathy (congenital with intellectual disability), type B2. Identifiers: MedGen C3150416, MONDO:0013160, OMIM 613156.
Autosomal recessive limb-girdle muscular dystrophy type 2N. Also called: MUSCULAR DYSTROPHY-DYSTROGLYCANOPATHY, LIMB-GIRDLE, POMT2-RELATED; Muscular dystrophy-dystroglycanopathy (limb-girdle), type C, 2. Identifiers: Orphanet 206559, MedGen C3150418, MONDO:0013162, OMIM 613158.
Muscular dystrophy-dystroglycanopathy (congenital with brain and eye anomalies), type A2. Also called: MUSCULAR DYSTROPHY-DYSTROGLYCANOPATHY (CONGENITAL WITH BRAIN AND EYE ANOMALIES), TYPE A, 2; WALKER-WARBURG SYNDROME OR MUSCLE-EYE-BRAIN DISEASE, POMT2-RELATED. Identifiers: Orphanet 588, Orphanet 899, MedGen C3150411, MONDO:0013154, OMIM 613150.

gnomAD v4.1: 2 of 1,613,690 alleles (0.00012%); highest among the groups gnomAD compares: Non-Finnish European, 0.00017%; no homozygotes.

Submission:

Labcorp Genetics (formerly Invitae), Labcorp
Classification: Pathogenic for Muscular dystrophy-dystroglycanopathy (congenital with impaired intellectual development), type B, 2; Muscular dystrophy-dystroglycanopathy (congenital with brain and eye anomalies), type A2; Autosomal recessive limb-girdle muscular dystrophy type 2N. Last evaluated: 2025-11-27. Review status: criteria provided, single submitter. Criteria: Invitae Variant Classification Sherloc (09022015). Collection method: clinical testing. Allele origin: germline.
Comment: This sequence change affects a donor splice site in intron 8 of the POMT2 gene. It is expected to disrupt RNA splicing. Variants that disrupt the donor or acceptor splice site typically lead to a loss of protein function (PMID: 16199547), and loss-of-function variants in POMT2 are known to be pathogenic (PMID: 15894594). This variant is not present in population databases (gnomAD no frequency). Disruption of this splice site has been observed in individuals with POMT2-related conditions (PMID: 15894594, 22323514). Algorithms developed to predict the effect of sequence changes on RNA splicing suggest that this variant may disrupt the consensus splice site. For these reasons, this variant has been classified as Pathogenic.

Literature cited by the submitters: PubMed 16199547; PubMed 15894594; PubMed 22323514.